The following is an entry in ClinVar:

ClinVar aggregate classification (germline): Uncertain significance (1 of 4 stars; one submission).

Conditions:
Microcephaly-intellectual disability-sensorineural hearing loss-epilepsy-abnormal muscle tone syndrome (NEDHSB). Also called: NEURODEVELOPMENTAL DISORDER WITH HEARING LOSS, SEIZURES, AND BRAIN ABNORMALITIES. Identifiers: Orphanet 457351, MedGen C4225276, MONDO:0014698, OMIM 616577.

Allele frequency attached by ClinVar (database versions not stated): TOPMed 0.00001.

Submission:

Labcorp Genetics (formerly Invitae), Labcorp
Classification: Uncertain significance for Microcephaly-intellectual disability-sensorineural hearing loss-epilepsy-abnormal muscle tone syndrome. Last evaluated: 2022-09-07. Review status: criteria provided, single submitter. Criteria: Invitae Variant Classification Sherloc (09022015). Collection method: clinical testing. Allele origin: germline.
Comment: This sequence change replaces threonine, which is neutral and polar, with alanine, which is neutral and non-polar, at codon 45 of the SPATA5 protein (p.Thr45Ala). This variant is not present in population databases (gnomAD no frequency). This variant has not been reported in the literature in individuals affected with SPATA5-related conditions. ClinVar contains an entry for this variant (Variation ID: 658742). Advanced modeling of protein sequence and biophysical properties (such as structural, functional, and spatial information, amino acid conservation, physicochemical variation, residue mobility, and thermodynamic stability) performed at Invitae indicates that this missense variant is not expected to disrupt SPATA5 protein function. In summary, the available evidence is currently insufficient to determine the role of this variant in disease. Therefore, it has been classified as a Variant of Uncertain Significance.

NM_145207.3(AFG2A):c.133A>G (p.Thr45Ala)

Gene: AFG2A (AFG2 AAA ATPase homolog A; plus strand). Cytogenetic location: 4q28.1.
Variant type: single nucleotide variant.
Coding change: c.133A>G on transcript NM_145207.3 (MANE Select); coding-DNA position 133, A replaced by G.
Protein change: p.Thr45Ala; replaces threonine 45 with alanine.
Molecular consequence: missense variant.
Genome position (GRCh38, 1-based): chr4:122,923,275, A>G. VCF-style: chr4-122923275-A-G. GRCh37 (hg19) VCF-style: chr4-123844430-A-G.
Other names: c.133A>G, p.Thr45Ala (NM_001317799.2, NM_001345856.2); short protein forms T45A.
Identifiers: ClinVar variation 658742 (VCV000658742.3), dbSNP rs1188216410, ClinGen allele CA358097410.
Genomic context (GRCh38, chr4:122,923,275, plus strand): 5'-TCCTCTTGTGCGGAGGCACGGGCTCCTTCTGCTGGATCAGACTTCGCGGCAACCTCCGGG[A>G]CTCTGACGGTGACCAACTTATTAGAAAAGGGTAAAGAATTCCGGGTGGGAGACTAGAGGC-3'
Protein context (NP_660208.2, residues 35-55): AGSDFAATSG[Thr45Ala]LTVTNLLEKV